The following is an entry in ClinVar:

NM_019842.4(KCNQ5):c.1931T>C (p.Phe644Ser)

Gene: KCNQ5 (potassium voltage-gated channel subfamily Q member 5; plus strand). Cytogenetic location: 6q13.
Variant type: single nucleotide variant.
Coding change: c.1931T>C on transcript NM_019842.4 (MANE Select); coding-DNA position 1931, T replaced by C.
Protein change: p.Phe644Ser; replaces phenylalanine 644 with serine.
Molecular consequence: missense variant.
Genome position (GRCh38, 1-based): chr6:73,194,546, T>C. VCF-style: chr6-73194546-T-C. GRCh37 (hg19) VCF-style: chr6-73904269-T-C.
Other names: c.1904T>C, p.Phe635Ser (NM_001160130.2); c.1961T>C, p.Phe654Ser (NM_001160132.2); c.1988T>C, p.Phe663Ser (NM_001160133.2); c.1601T>C, p.Phe534Ser (NM_001160134.2); short protein forms F534S, F635S, F644S, F654S, F663S.
Identifiers: ClinVar variation 3373505 (VCV003373505.1).
Genomic context (GRCh38, chr6:73,194,546, plus strand): 5'-TAGACATCTATCAACAGGTCCTTCGGAAAGGCTCTGCCTCAGCCCTCGCTTTGGCTTCAT[T>C]CCAGATCCCACCTTTTGAATGTGAACAGACATCTGACTATCAAAGCCCTGTGGATAGCAA-3'
Protein context (NP_062816.2, residues 634-654): GSASALALAS[Phe644Ser]QIPPFECEQT

ClinVar aggregate classification (germline): Uncertain significance (1 of 4 stars; one submission).

Submission:

GeneDx
Classification: Uncertain significance. Last evaluated: 2024-02-28. Review status: criteria provided, single submitter. Criteria: GeneDx Variant Classification Process June 2021. Collection method: clinical testing. Allele origin: germline. Affected: yes.
Comment: Not observed at significant frequency in large population cohorts (gnomAD); In silico analysis supports that this missense variant does not alter protein structure/function; Has not been previously published as pathogenic or benign to our knowledge